The following is an entry in ClinVar:

NM_002796.3(PSMB4):c.596T>G (p.Leu199Arg)

Gene: PSMB4 (proteasome 20S subunit beta 4; plus strand). Cytogenetic location: 1q21.3.
Variant type: single nucleotide variant.
Coding change: c.596T>G on transcript NM_002796.3 (MANE Select); coding-DNA position 596, T replaced by G.
Protein change: p.Leu199Arg; replaces leucine 199 with arginine.
Molecular consequence: missense variant.
Genome position (GRCh38, 1-based): chr1:151,401,258, T>G. VCF-style: chr1-151401258-T-G. GRCh37 (hg19) VCF-style: chr1-151373734-T-G.
Other names: short protein forms L199R.
Identifiers: ClinVar variation 3426926 (VCV003426926.2).

ClinVar aggregate classification (germline): Uncertain significance. Review status: criteria provided, multiple submitters, no conflicts (2 of 4 stars). 2 submissions from 2 submitters: Uncertain significance (2). Last evaluated 2025-12-15.

Submissions (2):

Labcorp Genetics (formerly Invitae), Labcorp
Classification: Uncertain significance. Last evaluated: 2025-12-15. Review status: criteria provided, single submitter. Criteria: Invitae Variant Classification Sherloc (09022015). Collection method: clinical testing. Allele origin: germline.
Comment: This sequence change replaces leucine, which is neutral and non-polar, with arginine, which is basic and polar, at codon 199 of the PSMB4 protein (p.Leu199Arg). This variant is not present in population databases (gnomAD no frequency). This variant has not been reported in the literature in individuals affected with PSMB4-related conditions. ClinVar contains an entry for this variant (Variation ID: 3426926). An algorithm developed to predict the effect of missense changes on protein structure and function (PolyPhen-2) suggests that this variant is likely to be disruptive. In summary, the available evidence is currently insufficient to determine the role of this variant in disease. Therefore, it has been classified as a Variant of Uncertain Significance.

Ambry Genetics
Classification: Uncertain significance. Last evaluated: 2024-07-02. Review status: criteria provided, single submitter. Criteria: Ambry Variant Classification Scheme 2023. Collection method: clinical testing. Allele origin: germline.